The following is an entry in ClinVar:

NM_000137.4(FAH):c.688C>G (p.Leu230Val)

Gene: FAH (fumarylacetoacetate hydrolase; plus strand). Cytogenetic location: 15q25.1.
Variant type: single nucleotide variant.
Coding change: c.688C>G on transcript NM_000137.4 (MANE Select); coding-DNA position 688, C replaced by G.
Protein change: p.Leu230Val; replaces leucine 230 with valine.
Molecular consequence: missense variant.
Genome position (GRCh38, 1-based): chr15:80,172,230, C>G. VCF-style: chr15-80172230-C-G. GRCh37 (hg19) VCF-style: chr15-80464572-C-G.
Other names: c.688C>G, p.Leu230Val (NM_001374377.1, NM_001374380.1); short protein forms L230V.
Identifiers: ClinVar variation 3375216 (VCV003375216.1).
Genomic context (GRCh38, chr15:80,172,230, plus strand): 5'-AACAGATTGGGAGAGCCGATCCCCATTTCCAAGGCCCATGAGCACATTTTTGGAATGGTC[C>G]TTATGAACGACTGGAGTGGTAATTACTGGAGCTCTGCTCCTGTAGAGATGACGGGGAGGA-3'
Protein context (NP_000128.1, residues 220-240): KAHEHIFGMV[Leu230Val]MNDWSARDIQ

ClinVar aggregate classification (germline): Uncertain significance (1 of 4 stars; one submission).

Submission:

Women's Health and Genetics/Laboratory Corporation of America, LabCorp
Classification: Uncertain significance. Last evaluated: 2024-09-30. Review status: criteria provided, single submitter. Criteria: LabCorp Variant Classification Summary - May 2015. Collection method: clinical testing. Allele origin: germline.
Comment: Variant summary: FAH c.688C>G (p.Leu230Val) results in a conservative amino acid change located in the fumarylacetoacetase-like, C-terminal domain (IPR011234) of the encoded protein sequence. Three of five in-silico tools predict a damaging effect of the variant on protein function. The variant was absent in 251466 control chromosomes. c.688C>G has been reported in the literature in the compound heterozygous state in at least one family with Tyrosinemia Type 1 where it segregated with disease (e.g. Kawabata_2022). These data indicate that the variant may be associated with disease. To our knowledge, no experimental evidence demonstrating an impact on protein function has been reported. The following publication have been ascertained in the context of this evaluation (PMID: 35800472). No submitters have cited clinical-significance assessments for this variant to ClinVar. Based on the evidence outlined above, the variant was classified as VUS-possibly pathogenic.

Literature cited by the submitters: PubMed 35800472.